The following is an entry in ClinVar:

ClinVar aggregate classification (germline): Pathogenic (1 of 4 stars; one submission).

Submission:

Labcorp Genetics (formerly Invitae), Labcorp
Classification: Pathogenic. Last evaluated: 2022-08-31. Review status: criteria provided, single submitter. Criteria: Invitae Variant Classification Sherloc (09022015). Collection method: clinical testing. Allele origin: germline.
Comment: This sequence change creates a premature translational stop signal (p.Leu756Phefs*2) in the LIFR gene. It is expected to result in an absent or disrupted protein product. Loss-of-function variants in LIFR are known to be pathogenic (PMID: 14740318). This variant is not present in population databases (gnomAD no frequency). This variant has not been reported in the literature in individuals affected with LIFR-related conditions. For these reasons, this variant has been classified as Pathogenic.

Literature cited by the submitters: PubMed 14740318.

NM_001127671.2(LIFR):c.2266_2267dup (p.Leu756fs)

Gene: LIFR (LIF receptor subunit alpha; minus strand). Cytogenetic location: 5p13.1.
Variant type: Duplication.
Coding change: c.2266_2267dup on transcript NM_001127671.2 (MANE Select); coding-DNA positions 2266 to 2267, 2 bases duplicated (TT; older notation c.2266_2267dupTT).
Protein change: p.Leu756fs; shifts the reading frame from leucine 756.
Molecular consequence: frameshift variant.
Genome position (GRCh38, 1-based): chr5:38,489,146-38,489,147, AA duplicated on the plus strand (TT on the coding strand, the reverse complement: LIFR is on the minus strand); duplicating any 2 consecutive bases within chr5:38,489,146-38,489,150 gives the same sequence; the c. name uses the placement nearest the transcript's 3' end. VCF-style (leftmost placement, unchanged base first): chr5-38489145-T-TAA. GRCh37 (hg19) VCF-style: chr5-38489247-T-TAA.
Other names: c.2266_2267dup, p.Leu756fs (NM_001364297.2, NM_001364298.2, NM_002310.6); short protein forms L756fs.
Identifiers: ClinVar variation 2123813 (VCV002123813.4), dbSNP rs2530968047, ClinGen allele CA2580073264.